The following is an entry in ClinVar:

NM_001097642.3(GJB1):c.-16-511G>T

Gene: GJB1 (gap junction protein beta 1; plus strand). Cytogenetic location: Xq13.1.
Variant type: single nucleotide variant.
Coding change: c.-16-511G>T on transcript NM_001097642.3; 511 bases into the intron before 16 bases upstream of the start codon, G replaced by T.
Molecular consequence: intron variant.
Genome position (GRCh38, 1-based): chrX:71,223,181, G>T. VCF-style: chrX-71223181-G-T. GRCh37 (hg19) VCF-style: chrX-70443031-G-T.
Other names: c.-17+415G>T (NM_001440770.1).
Identifiers: ClinVar variation 2033849 (VCV002033849.5), dbSNP rs2147944334, ClinGen allele CA2580101312.

ClinVar aggregate classification (germline): Uncertain significance. Review status: criteria provided, single submitter (1 of 4 stars). 2 submissions from 2 submitters: Uncertain significance (1). 1 of the submissions does not count toward it. Last evaluated 2023-08-31.

Conditions:
Charcot-Marie-Tooth Neuropathy X. Identifiers: MedGen CN118851.
GJB1-related disorder. Also called: GJB1-related condition; GJB1-related disorders.

Submissions (2):

Labcorp Genetics (formerly Invitae), Labcorp
Classification: Uncertain significance for Charcot-Marie-Tooth Neuropathy X. Last evaluated: 2023-08-31. Review status: criteria provided, single submitter. Criteria: Invitae Variant Classification Sherloc (09022015). Collection method: clinical testing. Allele origin: germline.
Comment: This variant occurs in a non-coding region of the GJB1 gene. It does not change the encoded amino acid sequence of the GJB1 protein. In summary, the available evidence is currently insufficient to determine the role of this variant in disease. Therefore, it has been classified as a Variant of Uncertain Significance. Experimental studies and prediction algorithms are not available or were not evaluated, and the functional significance of this variant is currently unknown. This variant has been observed in individuals with clinical features of Charcot-Marie-Tooth disease (Invitae). It has also been observed to segregate with disease in related individuals. The frequency data for this variant in the population databases is considered unreliable, as metrics indicate insufficient coverage at this position in the gnomAD database.

PreventionGenetics, part of Exact Sciences
Classification: Uncertain significance for GJB1-related condition. Last evaluated: 2024-08-15. Review status: no assertion criteria provided. Collection method: clinical testing. Allele origin: germline. Not counted in ClinVar's aggregate classification.
Comment: The GJB1 c.-171G>T variant is located in the 5' untranslated region. To our knowledge, this variant has not been reported in the literature or in a large population database, indicating this variant is rare. It is documented as a variant of uncertain significance in ClinVar and reported to segregate with affected status in a family tested by Invitae. One alternate pre-coding change at this same nucleotide (c.-171G>C), as well as nearby up and downstream variants in this region (c.-170T>G, c.-172T>C, c.-173T>C, c.-173T>G), have also been reported as causative for X-linked dominant Charcot-Marie-Tooth neuropathy type 1, and show strong segregation in affected family members (Houlden et al. 2004. PubMed ID: 15470753; Fuxman Bass et al. 2015. PubMed ID: 25910213; Tsai et al. 2013. PubMed ID: 23827825; Ionasescu et al. 1996. PubMed ID: 8757034; Human Gene Mutation Database). These data indicate this is a pre-coding hotspot for pathogenic variation. Functional studies indicate that mutations in this region impact promoter activity and impair transcription factor binding (Houlden et al. 2004. PubMed ID: 15470753). Although we suspect this pre-coding change may be pathogenic, at this time, the clinical significance of this variant is uncertain due to insufficient functional and genetic evidence.